The following is an entry in ClinVar:

NM_001042492.3(NF1):c.888+9G>C

Gene: NF1 (neurofibromin 1; plus strand). Cytogenetic location: 17q11.2.
Variant type: single nucleotide variant.
Coding change: c.888+9G>C on transcript NM_001042492.3 (MANE Select); 9 bases into the intron after coding-DNA position 888, G replaced by C.
Molecular consequence: intron variant.
Genome position (GRCh38, 1-based): chr17:31,182,674, G>C. VCF-style: chr17-31182674-G-C. GRCh37 (hg19) VCF-style: chr17-29509692-G-C.
Other names: c.888+9G>C (NM_000267.4, NM_001128147.3).
Identifiers: ClinVar variation 1129279 (VCV001129279.8), dbSNP rs1274043045, ClinGen allele CA625465960.

ClinVar aggregate classification (germline): Likely benign. Review status: criteria provided, multiple submitters, no conflicts (2 of 4 stars). 2 submissions from 2 submitters: Likely benign (2). Last evaluated 2026-09-23.

Conditions:
Neurofibromatosis, type 1 (NF1). Also called: Neurofibromatosis, type I; VON RECKLINGHAUSEN DISEASE; Peripheral type neurofibromatosis; NEUROFIBROMATOSIS, TYPE I, SOMATIC. Identifiers: Orphanet 636, MedGen C0027831, MONDO:0018975, OMIM 162200. Disease mechanism: loss of function.

Allele frequency attached by ClinVar (database versions not stated): gnomAD 0.00001.
gnomAD v4.1: 1 of 1,610,814 alleles (0.000062%); highest among the groups gnomAD compares: Admixed American, 0.0017%; no homozygotes.

Submissions (2):

Myriad Genetics, Inc.
Classification: Likely benign for Neurofibromatosis, type 1. Last evaluated: 2026-09-23. Review status: criteria provided, single submitter. Criteria: Myriad Autosomal Dominant, Autosomal Recessive and X-Linked Classification Criteria (2023). Collection method: clinical testing. Allele origin: unknown.
Comment: This variant is considered likely benign. This variant is intronic and is not expected to impact mRNA splicing.

Labcorp Genetics (formerly Invitae), Labcorp
Classification: Likely benign for Neurofibromatosis, type 1. Last evaluated: 2026-01-26. Review status: criteria provided, single submitter. Criteria: Invitae Variant Classification Sherloc (09022015). Collection method: clinical testing. Allele origin: germline.